The following is an entry in ClinVar:

ClinVar aggregate classification (germline): Conflicting classifications of pathogenicity. Review status: criteria provided, conflicting classifications (1 of 4 stars). 2 submissions from 2 submitters: Uncertain significance (1); Likely benign (1). Last evaluated 2023-03-23.

Conditions:
Hereditary cancer-predisposing syndrome. Also called: Neoplastic Syndromes, Hereditary; Tumor predisposition; Hereditary Cancer Syndrome; Hereditary neoplastic syndrome. Identifiers: Orphanet 140162, MedGen C0027672, MeSH D009386, MONDO:0015356.

Allele frequency attached by ClinVar (database versions not stated): TOPMed below 0.00001.

Submissions (2):

University of Washington Department of Laboratory Medicine, University of Washington
Classification: Likely benign for Hereditary cancer-predisposing syndrome. Last evaluated: 2023-03-23. Review status: criteria provided, single submitter. Criteria: Dines et al. (Genet Med. 2020). Collection method: curation. Allele origin: germline.
Comment: Missense variant in a coldspot region where missense variants are very unlikely to be pathogenic (PMID:31911673).

BRCA1 coldspot (exon 11 using historical exon numbering). Reclassification based on statistical prior probability

Ambry Genetics
Classification: Uncertain significance for Hereditary cancer-predisposing syndrome. Last evaluated: 2022-09-29. Review status: criteria provided, single submitter. Criteria: Ambry Variant Classification Scheme 2023. Collection method: clinical testing. Allele origin: germline.
Comment: The p.E352Q variant (also known as c.1054G>C), located in coding exon 9 of the BRCA1 gene, results from a G to C substitution at nucleotide position 1054. The glutamic acid at codon 352 is replaced by glutamine, an amino acid with highly similar properties. This amino acid position is not well conserved in available vertebrate species. In addition, the in silico prediction for this alteration is inconclusive. Since supporting evidence is limited at this time, the clinical significance of this alteration remains unclear.

NM_007294.4(BRCA1):c.1054G>C (p.Glu352Gln)

Gene: BRCA1 (BRCA1 DNA repair associated; minus strand). Cytogenetic location: 17q21.31.
Variant type: single nucleotide variant.
Coding change: c.1054G>C on transcript NM_007294.4 (MANE Select); coding-DNA position 1054, G replaced by C.
Protein change: p.Glu352Gln; replaces glutamic acid 352 with glutamine.
Molecular consequence: missense variant. On other transcripts: intron variant (137).
Genome position (GRCh38, 1-based): chr17:43,094,477, C>G on the plus strand (G>C on the coding strand, the complement: BRCA1 is on the minus strand). VCF-style: chr17-43094477-C-G. GRCh37 (hg19) VCF-style: chr17-41246494-C-G.
Other names: c.841G>C, p.Glu281Gln (NM_001407571.1, NM_001407853.1, NM_001407894.1 and 9 more transcripts); c.1054G>C, p.Glu352Gln (NM_001407581.1, NM_001407582.1, NM_001407583.1 and 30 more transcripts); c.1051G>C, p.Glu351Gln (NM_001407587.1, NM_001407590.1, NM_001407591.1 and 22 more transcripts); c.1045G>C, p.Glu349Gln (NM_001407646.1, NM_001407647.1); c.931G>C, p.Glu311Gln (NM_001407648.1, NM_001407664.1, NM_001407665.1 and 19 more transcripts); c.928G>C, p.Glu310Gln (NM_001407649.1, NM_001407670.1, NM_001407671.1 and 11 more transcripts); c.976G>C, p.Glu326Gln (NM_001407653.1, NM_001407654.1, NM_001407655.1 and 4 more transcripts); c.973G>C, p.Glu325Gln (NM_001407659.1, NM_001407660.1, NM_001407661.1 and 1 more transcripts); and 40 more; short protein forms E263Q, E304Q, E326Q, E56Q, E184Q, E224Q, E240Q, E264Q.
Identifiers: ClinVar variation 1778202 (VCV001778202.4), dbSNP rs80357472, ClinGen allele CA10599952.
Genomic context (GRCh38, chr17:43,094,477, plus strand): 5'-AAGGAACATCTTCAGTATCTCTAGGATTCTCTGAGCATGGCAGTTTCTGCTTATTCCATT[C>G]TTTTCTCTCACACAGGGGATCAGCATTCAGATCTACCTTTTTTTCTGTGCTGGGAGTCCG-3'
Protein context (NP_009225.1, residues 342-362): LNADPLCERK[Glu352Gln]WNKQKLPCSE